The following is an entry in ClinVar:

NM_000687.4(AHCY):c.910G>A (p.Val304Met)

Gene: AHCY (adenosylhomocysteinase; minus strand). Cytogenetic location: 20q11.22.
Variant type: single nucleotide variant.
Coding change: c.910G>A on transcript NM_000687.4 (MANE Select); coding-DNA position 910, G replaced by A.
Protein change: p.Val304Met; replaces valine 304 with methionine.
Molecular consequence: missense variant.
Genome position (GRCh38, 1-based): chr20:34,290,394, C>T on the plus strand (G>A on the coding strand, the complement: AHCY is on the minus strand). VCF-style: chr20-34290394-C-T. GRCh37 (hg19) VCF-style: chr20-32878200-C-T.
Other names: c.826G>A, p.Val276Met (NM_001161766.2, NM_001322084.2, NM_001322085.2); c.916G>A, p.Val306Met (NM_001322086.2); c.910G>A, p.Val304Met (NM_001362750.2); short protein forms V306M, V276M, V304M.
Identifiers: ClinVar variation 2076152 (VCV002076152.2), dbSNP rs567858986, ClinGen allele CA9820847.

ClinVar aggregate classification (germline): Uncertain significance (1 of 4 stars; one submission).

Conditions:
Hypermethioninemia with deficiency of S-adenosylhomocysteine hydrolase. Identifiers: Orphanet 88618, MedGen C3151058, MONDO:0013404, OMIM 613752.

gnomAD v4.1: 28 of 1,614,090 alleles (0.0017%); highest among the groups gnomAD compares: South Asian, 0.0055%; no homozygotes.

Submission:

Labcorp Genetics (formerly Invitae), Labcorp
Classification: Uncertain significance for Hypermethioninemia with deficiency of S-adenosylhomocysteine hydrolase. Last evaluated: 2022-08-09. Review status: criteria provided, single submitter. Criteria: Invitae Variant Classification Sherloc (09022015). Collection method: clinical testing. Allele origin: germline.
Comment: In summary, the available evidence is currently insufficient to determine the role of this variant in disease. Therefore, it has been classified as a Variant of Uncertain Significance. Algorithms developed to predict the effect of missense changes on protein structure and function are either unavailable or do not agree on the potential impact of this missense change (SIFT: "Not Available"; PolyPhen-2: "Benign"; Align-GVGD: "Not Available"). This variant has not been reported in the literature in individuals affected with AHCY-related conditions. This variant is present in population databases (rs567858986, gnomAD 0.007%). This sequence change replaces valine, which is neutral and non-polar, with methionine, which is neutral and non-polar, at codon 304 of the AHCY protein (p.Val304Met).